The following is an entry in ClinVar:

ClinVar aggregate classification (germline): Likely benign. Review status: criteria provided, multiple submitters, no conflicts (2 of 4 stars). 2 submissions from 2 submitters: Likely benign (2). Last evaluated 2018-06-14.

Allele frequency attached by ClinVar (database versions not stated): 1000 Genomes Project 0.01358; 1000 Genomes Project 30x 0.01421.
gnomAD v4.1: 20,305 of 565,514 alleles (3.6%); highest among the groups gnomAD compares: Non-Finnish European, 5%; 485 homozygotes.

Submissions (2):

GeneDx
Classification: Likely benign. Last evaluated: 2018-06-14. Review status: criteria provided, single submitter. Criteria: GeneDx Variant Classification (06012015). Collection method: clinical testing. Allele origin: germline. Affected: yes.
Comment: This variant is considered likely benign or benign based on one or more of the following criteria: it is a conservative change, it occurs at a poorly conserved position in the protein, it is predicted to be benign by multiple in silico algorithms, and/or has population frequency not consistent with disease.

Breakthrough Genomics
Classification: Likely benign. Review status: criteria provided, single submitter. Criteria: ACMG Guidelines, 2015. Collection method: not provided. Allele origin: germline. Inheritance: Autosomal recessive inheritance. Affected: yes.

NM_000925.4(PDHB):c.304-237A>G

Gene: PDHB (pyruvate dehydrogenase E1 subunit beta; minus strand). Cytogenetic location: 3p14.3.
Variant type: single nucleotide variant.
Coding change: c.304-237A>G on transcript NM_000925.4 (MANE Select); 237 bases into the intron before coding-DNA position 304, A replaced by G.
Molecular consequence: intron variant.
Genome position (GRCh38, 1-based): chr3:58,431,179, T>C on the plus strand (A>G on the coding strand, the complement: PDHB is on the minus strand). VCF-style: chr3-58431179-T-C. GRCh37 (hg19) VCF-style: chr3-58416906-T-C.
Other names: c.250-237A>G (NM_001315536.2); c.304-237A>G (NM_001173468.2).
Identifiers: ClinVar variation 672638 (VCV000672638.2), dbSNP rs7636609, ClinGen allele CA75457339.
Genomic context (GRCh38, chr3:58,431,179, plus strand): 5'-CTGCAGCCTCTAACTCCTAGGCTCAAGTAATCCTTCCTCAGCATCCCGAGTAGCTGGGAC[T>C]GCAGGCAAGCACCACCACATCTACCTACTTGGTATTTTTTTTTTTTCCCAAATGATGTTT-3'